The following is an entry in ClinVar:

ClinVar aggregate classification (germline): Uncertain significance (1 of 4 stars; one submission).

Submission:

Labcorp Genetics (formerly Invitae), Labcorp
Classification: Uncertain significance. Last evaluated: 2024-09-27. Review status: criteria provided, single submitter. Criteria: Invitae Variant Classification Sherloc (09022015). Collection method: clinical testing. Allele origin: germline.
Comment: This sequence change replaces arginine, which is basic and polar, with glutamine, which is neutral and polar, at codon 286 of the ROBO1 protein (p.Arg286Gln). This variant is present in population databases (rs766447373, gnomAD 0.007%). This variant has not been reported in the literature in individuals affected with ROBO1-related conditions. Invitae Evidence Modeling of protein sequence and biophysical properties (such as structural, functional, and spatial information, amino acid conservation, physicochemical variation, residue mobility, and thermodynamic stability) indicates that this missense variant is not expected to disrupt ROBO1 protein function with a negative predictive value of 95%. In summary, the available evidence is currently insufficient to determine the role of this variant in disease. Therefore, it has been classified as a Variant of Uncertain Significance.

NM_002941.4(ROBO1):c.857G>A (p.Arg286Gln)

Gene: ROBO1 (roundabout guidance receptor 1; minus strand). Cytogenetic location: 3p12.3.
Variant type: single nucleotide variant.
Coding change: c.857G>A on transcript NM_002941.4 (MANE Select); coding-DNA position 857, G replaced by A.
Protein change: p.Arg286Gln; replaces arginine 286 with glutamine.
Molecular consequence: missense variant.
Genome position (GRCh38, 1-based): chr3:78,717,335, C>T on the plus strand (G>A on the coding strand, the complement: ROBO1 is on the minus strand). VCF-style: chr3-78717335-C-T. GRCh37 (hg19) VCF-style: chr3-78766485-C-T.
Other names: c.740G>A, p.Arg247Gln (NM_001145845.2, NM_133631.4); short protein forms R247Q, R286Q.
Identifiers: ClinVar variation 3615257 (VCV003615257.2).
Genomic context (GRCh38, chr3:78,717,335, plus strand): 5'-CTGGATTTGGGCAGCTCTCCATCATCTTTCCTCCATCGTACTGTAGGTACAGGGTCACCT[C>T]GGGCCTCACATTTAAATTCTGCACTGTCATCCACAGTTACTGCCAAGTTACTGGGTCTCT-3'
Protein context (NP_002932.1, residues 276-296): DDSAEFKCEA[Arg286Gln]GDPVPTVRWR